The following is an entry in ClinVar:

ClinVar aggregate classification (germline): Benign/Likely benign. Review status: criteria provided, multiple submitters, no conflicts (2 of 4 stars). 5 submissions from 5 submitters: Benign (2); Likely benign (3). Last evaluated 2026-01-25.

Conditions:
Leukocyte adhesion deficiency type II. Also called: CONGENITAL DISORDER OF GLYCOSYLATION, TYPE IIc; CDG IIc; Congenital disorder of glycosylation type 2C; CDG 2C; Leukocyte adhesion deficiency type 2; Rambam Hasharon syndrome. Identifiers: Orphanet 2968, Orphanet 99843, MedGen C0398739, MONDO:0009953, OMIM 266265.

Allele frequency attached by ClinVar (database versions not stated): gnomAD exomes 0.00037 and 0.00092; ExAC 0.00141; 1000 Genomes Project 30x 0.00297; 1000 Genomes Project 0.00300; ESP Exome Variant Server 0.00348; gnomAD 0.00374 and 0.00399; TOPMed 0.00424.
gnomAD v4.1: 1,116 of 1,564,154 alleles (0.071%); highest among the groups gnomAD compares: African/African-American, 1.3%; 7 homozygotes.

Submissions (5):

Labcorp Genetics (formerly Invitae), Labcorp
Classification: Benign for Leukocyte adhesion deficiency type II. Last evaluated: 2026-01-25. Review status: criteria provided, single submitter. Criteria: Invitae Variant Classification Sherloc (09022015). Collection method: clinical testing. Allele origin: germline.

Women's Health and Genetics/Laboratory Corporation of America, LabCorp
Classification: Likely benign. Last evaluated: 2026-01-23. Review status: criteria provided, single submitter. Criteria: LabCorp Variant Classification Summary - May 2015. Collection method: clinical testing. Allele origin: germline.

Blueprint Genetics
Classification: Likely benign. Last evaluated: 2024-05-27. Review status: criteria provided, single submitter. Criteria: ACMG Guidelines, 2015. Collection method: clinical testing. Allele origin: germline.

CeGaT Center for Human Genetics Tuebingen
Classification: Benign. Last evaluated: 2022-12-01. Review status: criteria provided, single submitter. Criteria: CeGaT Center For Human Genetics Tuebingen Variant Classification Criteria Version 2. Collection method: clinical testing. Allele origin: germline. Affected: yes. Observed: 1 variant allele.
Comment: SLC35C1: BP4, BP7, BS1, BS2

GeneDx
Classification: Likely benign. Last evaluated: 2017-06-28. Review status: criteria provided, single submitter. Criteria: GeneDx Variant Classification (06012015). Collection method: clinical testing. Allele origin: germline. Affected: yes.
Comment: This variant is considered likely benign or benign based on one or more of the following criteria: it is a conservative change, it occurs at a poorly conserved position in the protein, it is predicted to be benign by multiple in silico algorithms, and/or has population frequency not consistent with disease.

NM_018389.5(SLC35C1):c.1047G>A (p.Pro349=)

Gene: SLC35C1 (solute carrier family 35 member C1; plus strand). Cytogenetic location: 11p11.2.
Variant type: single nucleotide variant.
Coding change: c.1047G>A on transcript NM_018389.5 (MANE Select); coding-DNA position 1047, G replaced by A.
Protein change: p.Pro349=; no amino-acid change (proline 349 retained).
Molecular consequence: synonymous variant.
Genome position (GRCh38, 1-based): chr11:45,811,287, G>A. VCF-style: chr11-45811287-G-A. GRCh37 (hg19) VCF-style: chr11-45832838-G-A.
Other names: c.1008G>A, p.Pro336= (NM_001145265.2, NM_001145266.2).
Identifiers: ClinVar variation 390906 (VCV000390906.37), dbSNP rs113735964, ClinGen allele CA5958388.
Genomic context (GRCh38, chr11:45,811,287, plus strand): 5'-GGTGCTGGGCGGCTCCTCCGCCTACACCTGGGTCAGGGGCTGGGAGATGAAGAAGACTCC[G>A]GAGGAGCCCAGCCCCAAAGACAGCGAGAAGAGCGCCATGGGGGTGTGAGCACCACAGGCA-3'
Protein context (NP_060859.4, residues 339-359): WVRGWEMKKT[Pro349=]EEPSPKDSEK